The following is an entry in ClinVar:

NM_014249.4(NR2E3):c.136C>T (p.Gln46Ter)

Gene: NR2E3 (nuclear receptor subfamily 2 group E member 3; plus strand). Cytogenetic location: 15q23.
Variant type: single nucleotide variant.
Coding change: c.136C>T on transcript NM_014249.4 (MANE Select); coding-DNA position 136, C replaced by T.
Protein change: p.Gln46Ter; replaces glutamine 46 with a stop codon.
Molecular consequence: nonsense.
Genome position (GRCh38, 1-based): chr15:71,811,500, C>T. VCF-style: chr15-71811500-C-T. GRCh37 (hg19) VCF-style: chr15-72103840-C-T.
Other names: c.136C>T, p.Gln46Ter (NM_016346.4); short protein forms Q46*.
Identifiers: ClinVar variation 2765751 (VCV002765751.3), dbSNP rs1260585219, ClinGen allele CA393031963.

ClinVar aggregate classification (germline): Pathogenic (1 of 4 stars; one submission).

Allele frequency attached by ClinVar (database versions not stated): gnomAD exomes 0.00001.

Submission:

Labcorp Genetics (formerly Invitae), Labcorp
Classification: Pathogenic. Last evaluated: 2023-10-05. Review status: criteria provided, single submitter. Criteria: Invitae Variant Classification Sherloc (09022015). Collection method: clinical testing. Allele origin: germline.
Comment: This sequence change creates a premature translational stop signal (p.Gln46*) in the NR2E3 gene. It is expected to result in an absent or disrupted protein product. Loss-of-function variants in NR2E3 are known to be pathogenic (PMID: 15459973, 27522502). This variant is not present in population databases (gnomAD no frequency). This variant has not been reported in the literature in individuals affected with NR2E3-related conditions. Algorithms developed to predict the effect of sequence changes on RNA splicing suggest that this variant may create or strengthen a splice site. For these reasons, this variant has been classified as Pathogenic.

Literature cited by the submitters: PubMed 15459973; PubMed 27522502.